The following is an entry in ClinVar:

ClinVar aggregate classification (germline): Pathogenic (1 of 4 stars; one submission).

Submission:

Labcorp Genetics (formerly Invitae), Labcorp
Classification: Pathogenic. Last evaluated: 2024-02-04. Review status: criteria provided, single submitter. Criteria: Invitae Variant Classification Sherloc (09022015). Collection method: clinical testing. Allele origin: germline.
Comment: This sequence change creates a premature translational stop signal (p.Ser981Profs*12) in the RTTN gene. It is expected to result in an absent or disrupted protein product. Loss-of-function variants in RTTN are known to be pathogenic (PMID: 26608784, 26846091). This variant is not present in population databases (gnomAD no frequency). This variant has not been reported in the literature in individuals affected with RTTN-related conditions. For these reasons, this variant has been classified as Pathogenic.

Literature cited by the submitters: PubMed 26608784; PubMed 26846091.

NM_173630.4(RTTN):c.2941del (p.Ser981fs)

Gene: RTTN (rotatin; minus strand). Cytogenetic location: 18q22.2.
Variant type: Deletion.
Coding change: c.2941del on transcript NM_173630.4 (MANE Select); coding-DNA position 2941, one base deleted (T; older notation c.2941delT).
Protein change: p.Ser981fs; shifts the reading frame from serine 981.
Molecular consequence: frameshift variant.
Genome position (GRCh38, 1-based): chr18:70,134,486, A deleted on the plus strand (T on the coding strand, the reverse complement: RTTN is on the minus strand); the first of 3 consecutive A bases (chr18:70,134,486-70,134,488); deleting any one gives the same sequence. VCF-style (leftmost placement, unchanged base first): chr18-70134485-GA-G. GRCh37 (hg19) VCF-style: chr18-67801721-GA-G.
Other names: c.205del, p.Ser69fs (NM_001318520.2); short protein forms S69fs, S981fs.
Identifiers: ClinVar variation 3638749 (VCV003638749.2).